The following is an entry in ClinVar:

ClinVar aggregate classification (germline): Uncertain significance. Review status: criteria provided, multiple submitters, no conflicts (2 of 4 stars). 2 submissions from 2 submitters: Uncertain significance (2). Last evaluated 2025-08-19.

Conditions:
Long QT syndrome (LQTS). Identifiers: MedGen C0023976, MeSH D008133, MONDO:0002442. Disease mechanism: loss of function. Inheritance: Various modes of inheritance.
Cardiovascular phenotype. Identifiers: MedGen CN230736.

Allele frequency attached by ClinVar (database versions not stated): gnomAD exomes below 0.00001; TOPMed below 0.00001; gnomAD 0.00001; ExAC 0.00003.
gnomAD v4.1: 8 of 1,612,298 alleles (0.0005%); highest among the groups gnomAD compares: Non-Finnish European, 0.00051%; no homozygotes.

Submissions (2):

Ambry Genetics
Classification: Uncertain significance for Cardiovascular phenotype. Last evaluated: 2025-08-19. Review status: criteria provided, single submitter. Criteria: Ambry Variant Classification Scheme 2023. Collection method: clinical testing. Allele origin: germline.
Comment: The p.E1424K variant (also known as c.4270G>A), located in coding exon 16 of the AKAP9 gene, results from a G to A substitution at nucleotide position 4270. The glutamic acid at codon 1424 is replaced by lysine, an amino acid with similar properties. This amino acid position is conserved. In addition, this alteration is predicted to be tolerated by in silico analysis. Since supporting evidence is limited at this time, the clinical significance of this alteration remains unclear.

Labcorp Genetics (formerly Invitae), Labcorp
Classification: Uncertain significance for Long QT syndrome. Last evaluated: 2023-07-25. Review status: criteria provided, single submitter. Criteria: Invitae Variant Classification Sherloc (09022015). Collection method: clinical testing. Allele origin: germline.
Comment: This sequence change replaces glutamic acid, which is acidic and polar, with lysine, which is basic and polar, at codon 1424 of the AKAP9 protein (p.Glu1424Lys). This variant is present in population databases (rs780775109, gnomAD 0.004%). This variant has not been reported in the literature in individuals affected with AKAP9-related conditions. ClinVar contains an entry for this variant (Variation ID: 2449786). Algorithms developed to predict the effect of missense changes on protein structure and function output the following: SIFT: "Not Available"; PolyPhen-2: "Benign"; Align-GVGD: "Not Available". The lysine amino acid residue is found in multiple mammalian species, which suggests that this missense change does not adversely affect protein function. In summary, the available evidence is currently insufficient to determine the role of this variant in disease. Therefore, it has been classified as a Variant of Uncertain Significance.

NM_005751.5(AKAP9):c.4270G>A (p.Glu1424Lys)

Gene: AKAP9 (A-kinase anchoring protein 9; plus strand). Cytogenetic location: 7q21.2.
Variant type: single nucleotide variant.
Coding change: c.4270G>A on transcript NM_005751.5 (MANE Select); coding-DNA position 4270, G replaced by A.
Protein change: p.Glu1424Lys; replaces glutamic acid 1424 with lysine.
Molecular consequence: missense variant.
Genome position (GRCh38, 1-based): chr7:92,031,536, G>A. VCF-style: chr7-92031536-G-A. GRCh37 (hg19) VCF-style: chr7-91660850-G-A.
Other names: c.4270G>A, p.Glu1424Lys (NM_147185.3); short protein forms E1424K.
Identifiers: ClinVar variation 2449786 (VCV002449786.6), dbSNP rs780775109, ClinGen allele CA4336531.